The following is an entry in ClinVar:

NM_004393.6(DAG1):c.2245G>A (p.Val749Ile)

Gene: DAG1 (dystroglycan 1; plus strand). Cytogenetic location: 3p21.31.
Variant type: single nucleotide variant.
Coding change: c.2245G>A on transcript NM_004393.6 (MANE Select); coding-DNA position 2245, G replaced by A.
Protein change: p.Val749Ile; replaces valine 749 with isoleucine.
Molecular consequence: missense variant.
Genome position (GRCh38, 1-based): chr3:49,532,756, G>A. VCF-style: chr3-49532756-G-A. GRCh37 (hg19) VCF-style: chr3-49570189-G-A.
Other names: c.2245G>A, p.Val749Ile (NM_001165928.4, NM_001177634.3, NM_001177635.3 and 9 more transcripts); short protein forms V749I.
Identifiers: ClinVar variation 566811 (VCV000566811.10), dbSNP rs1559581311, ClinGen allele CA352797168.

ClinVar aggregate classification (germline): Uncertain significance. Review status: criteria provided, multiple submitters, no conflicts (2 of 4 stars). 2 submissions from 2 submitters: Uncertain significance (2). Last evaluated 2022-08-15.

Conditions:
Muscular dystrophy-dystroglycanopathy (congenital with brain and eye anomalies), type A9. Also called: WALKER-WARBURG SYNDROME OR MUSCLE-EYE BRAIN DISEASE, DAG1-RELATED; Muscular dystrophy-dystroglycanopathy (congenital with brain and eye anomalies), type a, 9. Identifiers: Orphanet 370997, Orphanet 899, MedGen C4225291, MONDO:0014683, OMIM 616538.
Autosomal recessive limb-girdle muscular dystrophy type 2P. Also called: MUSCULAR DYSTROPHY-DYSTROGLYCANOPATHY, LIMB-GIRDLE, DAG1-RELATED; Limb-Girdle Muscular Dystrophy Type 9C; MUSCULAR DYSTROPHY, LIMB-GIRDLE, TYPE 2P. Identifiers: Orphanet 280333, MedGen C4511963, MONDO:0013440, OMIM 613818.

Submissions (2):

Labcorp Genetics (formerly Invitae), Labcorp
Classification: Uncertain significance for Autosomal recessive limb-girdle muscular dystrophy type 2P; Muscular dystrophy-dystroglycanopathy (congenital with brain and eye anomalies), type A9. Last evaluated: 2022-08-15. Review status: criteria provided, single submitter. Criteria: Invitae Variant Classification Sherloc (09022015). Collection method: clinical testing. Allele origin: germline.
Comment: This sequence change replaces valine, which is neutral and non-polar, with isoleucine, which is neutral and non-polar, at codon 749 of the DAG1 protein (p.Val749Ile). This variant is not present in population databases (gnomAD no frequency). This variant has not been reported in the literature in individuals affected with DAG1-related conditions. ClinVar contains an entry for this variant (Variation ID: 566811). Algorithms developed to predict the effect of missense changes on protein structure and function are either unavailable or do not agree on the potential impact of this missense change (SIFT: "Tolerated"; PolyPhen-2: "Probably Damaging"; Align-GVGD: "Class C0"). In summary, the available evidence is currently insufficient to determine the role of this variant in disease. Therefore, it has been classified as a Variant of Uncertain Significance.

Eurofins Ntd Llc (ga)
Classification: Uncertain significance. Last evaluated: 2017-11-06. Review status: criteria provided, single submitter. Criteria: EGL Classification Definitions 2015. Collection method: clinical testing. Allele origin: germline. Observed: 1 variant allele, 1 heterozygote.